The following is an entry in ClinVar:

ClinVar aggregate classification (germline): Pathogenic. Review status: reviewed by expert panel (3 of 4 stars). 2 submissions from 2 submitters: Pathogenic (1). 1 of the submissions does not count toward it. Last evaluated 2016-09-08.

Conditions:
Breast-ovarian cancer, familial, susceptibility to, 2 (BROVCA2). Also called: BRCA2 Hereditary Breast and Ovarian Cancer. Identifiers: Orphanet 145, MedGen C2675520, MONDO:0012933, OMIM 612555. Disease mechanism: loss of function.

Submissions (2):

Evidence-based Network for the Interpretation of Germline Mutant Alleles (ENIGMA)
Classification: Pathogenic for Breast-ovarian cancer, familial, susceptibility to, 2. Last evaluated: 2016-09-08. Review status: reviewed by expert panel. Criteria: ENIGMA BRCA1/2 Classification Criteria (2015). Collection method: curation. Allele origin: germline.
Comment: Variant allele predicted to encode a truncated non-functional protein.

Breast Cancer Information Core (BIC) (BRCA2)
Classification: Pathogenic for Breast-ovarian cancer, familial 2. Last evaluated: 2001-10-29. Review status: no assertion criteria provided. Collection method: clinical testing. Allele origin: germline. Affected: yes. Observed: 1 variant allele. Not counted in ClinVar's aggregate classification.

NM_000059.4(BRCA2):c.6220_6222delinsAA (p.His2074fs)

Gene: BRCA2 (BRCA2 DNA repair associated; plus strand). Cytogenetic location: 13q13.1.
Variant type: Indel.
Coding change: c.6220_6222delinsAA on transcript NM_000059.4 (MANE Select); coding-DNA positions 6220 to 6222, CAC replaced by AA.
Protein change: p.His2074fs; shifts the reading frame from histidine 2074.
Molecular consequence: frameshift variant.
Genome position (GRCh38, 1-based): chr13:32,340,575-32,340,577, CAC replaced by AA. VCF-style: chr13-32340575-CAC-AA. GRCh37 (hg19) VCF-style: chr13-32914712-CAC-AA.
Other names: 6448delCACinsAA; c.6220_6222delCACinsAA (NM_000059.3); short protein forms H2074fs.
Identifiers: ClinVar variation 52036 (VCV000052036.2), dbSNP rs276174867, ClinGen allele CA023768.